The following is an entry in ClinVar:

ClinVar aggregate classification (germline): Uncertain significance. Review status: criteria provided, single submitter (1 of 4 stars). 2 submissions from 2 submitters: Uncertain significance (1). 1 of the submissions does not count toward it. Last evaluated 2025-10-06.

Conditions:
Glycine encephalopathy. Also called: Non-ketotic hyperglycinemia; Nonketotic hyperglycinemia. Identifiers: Orphanet 407, MedGen C0751748, MONDO:0011612, HP:0008288.
Developmental and epileptic encephalopathy, 9 (DEE9). Also called: JUBERG-HELLMAN SYNDROME; PCDH19-Related X-Linked Female-Limited Epilepsy with Mental Retardation; Early infantile epileptic encephalopathy 9; EPILEPSY, FEMALE-RESTRICTED, WITH MENTAL RETARDATION. Identifiers: Orphanet 101039, Orphanet 2076, MedGen C1848137, MONDO:0010246, OMIM 300088. Disease mechanism: loss of function.

Submissions (2):

GeneDx
Classification: Uncertain significance. Last evaluated: 2025-10-06. Review status: criteria provided, single submitter. Criteria: GeneDx Variant Classification Process June 2021. Collection method: clinical testing. Allele origin: germline. Affected: yes.
Comment: Not observed at significant frequency in large population cohorts (gnomAD); In silico analysis supports that this missense variant has a deleterious effect on protein structure/function; This variant is associated with the following publications: (PMID: 29377098, 37471090)

Neurogenetics Research Program, University of Adelaide
Classification: Likely pathogenic for Developmental and epileptic encephalopathy, 9; Glycine encephalopathy 1. Last evaluated: 2019-12-20. Review status: no assertion criteria provided. Collection method: research. Allele origin: unknown. Affected: yes. Not counted in ClinVar's aggregate classification.

NM_001184880.2(PCDH19):c.1335C>A (p.Asp445Glu)

Gene: PCDH19 (protocadherin 19; minus strand). Cytogenetic location: Xq22.1.
Variant type: single nucleotide variant.
Coding change: c.1335C>A on transcript NM_001184880.2 (MANE Select); coding-DNA position 1335, C replaced by A.
Protein change: p.Asp445Glu; replaces aspartic acid 445 with glutamic acid.
Molecular consequence: missense variant.
Genome position (GRCh38, 1-based): chrX:100,407,263, G>T on the plus strand (C>A on the coding strand, the complement: PCDH19 is on the minus strand). VCF-style: chrX-100407263-G-T. GRCh37 (hg19) VCF-style: chrX-99662261-G-T.
Other names: p.D445E:GAC>GAA; c.1335C>A, p.Asp445Glu (NM_001105243.2, NM_020766.3); short protein forms D445E.
Identifiers: ClinVar variation 206331 (VCV000206331.6), dbSNP rs796052815, ClinGen allele CA316348.